The following is an entry in ClinVar:

NM_000051.4(ATM):c.4702C>T (p.His1568Tyr)

Gene: ATM (ATM serine/threonine kinase; plus strand). Cytogenetic location: 11q22.3.
Variant type: single nucleotide variant.
Coding change: c.4702C>T on transcript NM_000051.4 (MANE Select); coding-DNA position 4702, C replaced by T.
Protein change: p.His1568Tyr; replaces histidine 1568 with tyrosine.
Molecular consequence: missense variant.
Genome position (GRCh38, 1-based): chr11:108,293,403, C>T. VCF-style: chr11-108293403-C-T. GRCh37 (hg19) VCF-style: chr11-108164130-C-T.
Other names: c.4702C>T, p.His1568Tyr (NM_001351834.2); short protein forms H1568Y.
Identifiers: ClinVar variation 185766 (VCV000185766.29), dbSNP rs753269143, ClinGen allele CA192867.

ClinVar aggregate classification (germline): Conflicting classifications of pathogenicity. Review status: criteria provided, conflicting classifications (1 of 4 stars). 7 submissions from 7 submitters: Uncertain significance (5); Likely benign (1). 1 of the submissions does not count toward it. Last evaluated 2026-06-09.

Conditions:
Hereditary cancer-predisposing syndrome. Also called: Neoplastic Syndromes, Hereditary; Tumor predisposition; Hereditary neoplastic syndrome; Hereditary Cancer Syndrome. Identifiers: Orphanet 140162, MedGen C0027672, MeSH D009386, MONDO:0015356.
Familial cancer of breast. Also called: Hereditary breast cancer; hereditary breast carcinoma; BREAST CANCER, FAMILIAL. Identifiers: Orphanet 227535, MedGen C0346153, MONDO:0016419, OMIM 114480. Disease mechanism: loss of function.
Ataxia-telangiectasia syndrome (AT). Also called: Ataxia-telangiectasia, complementation group D; Ataxia-telangiectasia, complementation group E; Cerebello-oculocutaneous telangiectasia; Immunodeficiency with ataxia telangiectasia; LOUIS-BAR SYNDROME; Ataxia telangiectasia (A-T). Identifiers: Orphanet 100, MedGen C0004135, MONDO:0008840, OMIM 208900.

Allele frequency attached by ClinVar (database versions not stated): ExAC 0.00002; gnomAD exomes 0.00003 and 0.00001; TOPMed 0.00002.
gnomAD v4.1: 10 of 1,610,970 alleles (0.00062%); highest among the groups gnomAD compares: Admixed American, 0.015%; no homozygotes.

Submissions (7):

Women's Health and Genetics/Laboratory Corporation of America, LabCorp
Classification: Uncertain significance. Last evaluated: 2026-06-09. Review status: criteria provided, single submitter. Criteria: LabCorp Variant Classification Summary - May 2015. Collection method: clinical testing. Allele origin: germline.
Comment: Variant summary: ATM c.4702C>T (p.His1568Tyr) results in a conservative amino acid change in the encoded protein sequence. Algorithms developed to predict the effect of missense changes on protein structure and function all suggest that this variant is likely to be tolerated. The variant allele was found at a frequency of 3.2e-05 in 250988 control chromosomes, predominantly at a frequency of 0.0002 within the Latino subpopulation in the gnomAD database. The available data on variant occurrences in the general population are insufficient to allow any conclusion about variant significance. c.4702C>T has been observed in individual(s) affected with Breast Cancer or colorectal cancer, without strong evidence for causality (Ricker_2017, Ring_2016). These report(s) do not provide unequivocal conclusions about association of the variant with disease. To our knowledge, no experimental evidence demonstrating an impact on protein function has been reported. The following publications have been ascertained in the context of this evaluation (PMID: 28640387, 27443514). ClinVar contains an entry for this variant (Variation ID: 185766). Based on the evidence outlined above, the variant was classified as uncertain significance.

Labcorp Genetics (formerly Invitae), Labcorp
Classification: Uncertain significance for Ataxia-telangiectasia syndrome. Last evaluated: 2026-01-26. Review status: criteria provided, single submitter. Criteria: Invitae Variant Classification Sherloc (09022015). Collection method: clinical testing. Allele origin: germline.
Comment: This sequence change replaces histidine, which is basic and polar, with tyrosine, which is neutral and polar, at codon 1568 of the ATM protein (p.His1568Tyr). This variant is present in population databases (rs753269143, gnomAD 0.02%). This missense change has been observed in individual(s) with endometrial cancer (PMID: 27443514). ClinVar contains an entry for this variant (Variation ID: 185766). Invitae Evidence Modeling of protein sequence and biophysical properties (such as structural, functional, and spatial information, amino acid conservation, physicochemical variation, residue mobility, and thermodynamic stability) indicates that this missense variant is not expected to disrupt ATM protein function with a negative predictive value of 95%. In summary, the available evidence is currently insufficient to determine the role of this variant in disease. Therefore, it has been classified as a Variant of Uncertain Significance.

Ambry Genetics
Classification: Likely benign for Hereditary cancer-predisposing syndrome. Last evaluated: 2024-03-28. Review status: criteria provided, single submitter. Criteria: Ambry Variant Classification Scheme 2023. Collection method: clinical testing. Allele origin: germline.

Baylor Genetics
Classification: Uncertain significance for Familial cancer of breast. Last evaluated: 2023-09-20. Review status: criteria provided, single submitter. Criteria: ACMG Guidelines, 2015. Collection method: clinical testing. Allele origin: unknown.

GeneDx
Classification: Uncertain significance. Last evaluated: 2023-03-15. Review status: criteria provided, single submitter. Criteria: GeneDx Variant Classification Process June 2021. Collection method: clinical testing. Allele origin: germline. Affected: yes.
Comment: In silico analysis supports that this missense variant does not alter protein structure/function; Observed in individuals with endometrial or colorectal cancer (Ring et al., 2016; Ricker et al., 2017); This variant is associated with the following publications: (PMID: 28640387, 27443514)

Color Diagnostics, LLC DBA Color Health
Classification: Uncertain significance for Hereditary cancer-predisposing syndrome. Last evaluated: 2022-04-19. Review status: criteria provided, single submitter. Criteria: ACMG Guidelines, 2015. Collection method: clinical testing. Allele origin: germline.
Comment: This missense variant replaces histidine with tyrosine at codon 1568 of the ATM protein. Computational prediction suggests that this variant may not impact protein structure and function (internally defined REVEL score threshold <= 0.5, PMID: 27666373). To our knowledge, functional studies have not been performed for this variant. This variant has been observed in individuals affected with endometrial cancer (PMID: 27443514) and colorectal cancer (PMID: 28640387). This variant has been identified in 8/250988 chromosomes in the general population by the Genome Aggregation Database (gnomAD). The available evidence is insufficient to determine the role of this variant in disease conclusively. Therefore, this variant is classified as a Variant of Uncertain Significance.

Natera, Inc.
Classification: Uncertain significance for Ataxia-telangiectasia. Last evaluated: 2020-08-14. Review status: no assertion criteria provided. Collection method: clinical testing. Allele origin: germline. Not counted in ClinVar's aggregate classification.

Literature cited by the submitters: PubMed 27443514 (cited by 4 submitters); PubMed 28640387 (cited by Women's Health and Genetics/Laboratory Corporation of America, LabCorp and Color Diagnostics, LLC DBA Color Health).